The following is an entry in ClinVar:

ClinVar aggregate classification (germline): Uncertain significance. Review status: criteria provided, multiple submitters, no conflicts (2 of 4 stars). 2 submissions from 2 submitters: Uncertain significance (2). Last evaluated 2025-09-08.

Conditions:
Inborn genetic diseases. Identifiers: MedGen C0950123, MeSH D030342.

Allele frequency attached by ClinVar (database versions not stated): gnomAD exomes below 0.00001; TOPMed 0.00001.
gnomAD v4.1: 3 of 1,613,524 alleles (0.00019%); highest among the groups gnomAD compares: Admixed American, 0.0017%; no homozygotes.

Submissions (2):

Ambry Genetics
Classification: Uncertain significance for Inborn genetic diseases. Last evaluated: 2025-09-08. Review status: criteria provided, single submitter. Criteria: Ambry Variant Classification Scheme 2023. Collection method: clinical testing. Allele origin: germline.

Labcorp Genetics (formerly Invitae), Labcorp
Classification: Uncertain significance. Last evaluated: 2021-09-01. Review status: criteria provided, single submitter. Criteria: Invitae Variant Classification Sherloc (09022015). Collection method: clinical testing. Allele origin: germline.
Comment: This sequence change replaces glutamic acid with glycine at codon 476 of the CDK5RAP2 protein (p.Glu476Gly). The glutamic acid residue is highly conserved and there is a moderate physicochemical difference between glutamic acid and glycine. This variant is not present in population databases (ExAC no frequency). This variant has not been reported in the literature in individuals affected with CDK5RAP2-related conditions. Algorithms developed to predict the effect of missense changes on protein structure and function output the following: SIFT: "Deleterious"; PolyPhen-2: "Benign"; Align-GVGD: "Class C0". The glycine amino acid residue is found in multiple mammalian species, which suggests that this missense change does not adversely affect protein function. In summary, the available evidence is currently insufficient to determine the role of this variant in disease. Therefore, it has been classified as a Variant of Uncertain Significance.

NM_018249.6(CDK5RAP2):c.1427A>G (p.Glu476Gly)

Gene: CDK5RAP2 (CDK5 regulatory subunit associated protein 2; minus strand). Cytogenetic location: 9q33.2.
Variant type: single nucleotide variant.
Coding change: c.1427A>G on transcript NM_018249.6 (MANE Select); coding-DNA position 1427, A replaced by G.
Protein change: p.Glu476Gly; replaces glutamic acid 476 with glycine.
Molecular consequence: missense variant. On other transcripts: non-coding transcript variant (5).
Genome position (GRCh38, 1-based): chr9:120,491,362, T>C on the plus strand (A>G on the coding strand, the complement: CDK5RAP2 is on the minus strand). VCF-style: chr9-120491362-T-C. GRCh37 (hg19) VCF-style: chr9-123253640-T-C.
Other names: c.1427A>G, p.Glu476Gly (NM_001011649.3, NM_001272039.2); c.1427A>G (NM_018249.4); short protein forms E476G.
Identifiers: ClinVar variation 1036786 (VCV001036786.7), dbSNP rs2038897037, ClinGen allele CA374714920.